The following is an entry in ClinVar:

ClinVar aggregate classification (germline): Benign. Review status: criteria provided, multiple submitters, no conflicts (2 of 4 stars). 2 submissions from 2 submitters: Benign (2). Last evaluated 2018-06-16.

Allele frequency attached by ClinVar (database versions not stated): gnomAD exomes 0.00540; ExAC 0.00775; gnomAD 0.02119 and 0.02272; ESP Exome Variant Server 0.02218; TOPMed 0.02416; 1000 Genomes Project 0.02576; 1000 Genomes Project 30x 0.02811.
gnomAD v4.1: 6,380 of 1,608,536 alleles (0.4%); highest among the groups gnomAD compares: African/African-American, 7.5%; 232 homozygotes.

Submissions (2):

GeneDx
Classification: Benign. Last evaluated: 2018-06-16. Review status: criteria provided, single submitter. Criteria: GeneDx Variant Classification (06012015). Collection method: clinical testing. Allele origin: germline. Affected: yes.
Comment: This variant is considered likely benign or benign based on one or more of the following criteria: it is a conservative change, it occurs at a poorly conserved position in the protein, it is predicted to be benign by multiple in silico algorithms, and/or has population frequency not consistent with disease.

Breakthrough Genomics
Classification: Benign. Review status: criteria provided, single submitter. Criteria: ACMG Guidelines, 2015. Collection method: not provided. Allele origin: germline. Inheritance: Autosomal recessive inheritance. Affected: yes.

NM_153676.4(USH1C):c.2280+29C>T

Gene: USH1C (USH1 protein network component harmonin; minus strand). Cytogenetic location: 11p15.1.
Variant type: single nucleotide variant.
Coding change: c.2280+29C>T on transcript NM_153676.4 (MANE Select); 29 bases into the intron after coding-DNA position 2280, C replaced by T.
Molecular consequence: intron variant.
Genome position (GRCh38, 1-based): chr11:17,501,453, G>A on the plus strand (C>T on the coding strand, the complement: USH1C is on the minus strand). VCF-style: chr11-17501453-G-A. GRCh37 (hg19) VCF-style: chr11-17523000-G-A.
Other names: c.1323+29C>T (NM_001297764.2); c.1380+29C>T (NM_005709.4).
Identifiers: ClinVar variation 677704 (VCV000677704.2), dbSNP rs114971046, ClinGen allele CA5904241.